The following is an entry in ClinVar:

NM_001267550.2(TTN):c.38182A>G (p.Lys12728Glu)

Gene: TTN (titin; minus strand). Cytogenetic location: 2q31.2.
Variant type: single nucleotide variant.
Coding change: c.38182A>G on transcript NM_001267550.2 (MANE Select); coding-DNA position 38182, A replaced by G.
Protein change: p.Lys12728Glu; replaces lysine 12728 with glutamic acid.
Molecular consequence: missense variant. On other transcripts: intron variant (4).
Genome position (GRCh38, 1-based): chr2:178,654,769, T>C on the plus strand (A>G on the coding strand, the complement: TTN is on the minus strand). VCF-style: chr2-178654769-T-C. GRCh37 (hg19) VCF-style: chr2-179519496-T-C.
Other names: c.13283-12452A>G (NM_003319.4); c.13859-12452A>G (NM_133437.4); c.13658-12452A>G (NM_133432.3); c.34523-2228A>G (NM_001256850.1); c.31742-2228A>G (NM_133378.4); short protein forms K12728E.
Identifiers: ClinVar variation 191981 (VCV000191981.1), dbSNP rs786205309, ClinGen allele CA238021.

ClinVar aggregate classification (germline): Uncertain significance (1 of 4 stars; one submission).

Submission:

Biesecker Lab/Clinical Genomics Section, National Institutes of Health
Classification: Uncertain significance. Last evaluated: 2013-06-24. Review status: criteria provided, single submitter. Criteria: Ng et al. (Circ Cardiovasc Genet. 2013). Collection method: research. Allele origin: unknown. Observed: 1 variant allele. Study: ClinSeq.
Comment: The study set was not selected for affection status in relation to any cancer. Pathogenicity categories were based on literature curation. See Pubmed ID:23861362 for details.

Medical sequencing